The following is an entry in ClinVar:

ClinVar aggregate classification (germline): Uncertain significance (1 of 4 stars; one submission).

Conditions:
Mitochondrial complex II deficiency, nuclear type 1. Also called: SUCCINATE CoQ REDUCTASE DEFICIENCY. Identifiers: Orphanet 3208, MedGen C5700310, MONDO:0100294, OMIM 252011.
Pheochromocytoma/paraganglioma syndrome 5. Also called: Paragangliomas 5; SDHA-Related Hereditary Paraganglioma-Pheochromocytoma Syndrome. Identifiers: Orphanet 29072, MedGen C3279992, MONDO:0013602, OMIM 614165.

Submission:

Labcorp Genetics (formerly Invitae), Labcorp
Classification: Uncertain significance for Pheochromocytoma/paraganglioma syndrome 5; Mitochondrial complex II deficiency, nuclear type 1. Last evaluated: 2024-01-22. Review status: criteria provided, single submitter. Criteria: Invitae Variant Classification Sherloc (09022015). Collection method: clinical testing. Allele origin: germline.
Comment: This sequence change replaces asparagine, which is neutral and polar, with aspartic acid, which is acidic and polar, at codon 409 of the SDHA protein (p.Asn409Asp). This variant is not present in population databases (gnomAD no frequency). This variant has not been reported in the literature in individuals affected with SDHA-related conditions. Advanced modeling of protein sequence and biophysical properties (such as structural, functional, and spatial information, amino acid conservation, physicochemical variation, residue mobility, and thermodynamic stability) has been performed at Invitae for this missense variant, however the output from this modeling did not meet the statistical confidence thresholds required to predict the impact of this variant on SDHA protein function. In summary, the available evidence is currently insufficient to determine the role of this variant in disease. Therefore, it has been classified as a Variant of Uncertain Significance.

NM_004168.4(SDHA):c.1225A>G (p.Asn409Asp)

Gene: SDHA (succinate dehydrogenase complex flavoprotein subunit A; plus strand). Cytogenetic location: 5p15.33.
Variant type: single nucleotide variant.
Coding change: c.1225A>G on transcript NM_004168.4 (MANE Select); coding-DNA position 1225, A replaced by G.
Protein change: p.Asn409Asp; replaces asparagine 409 with aspartic acid.
Molecular consequence: missense variant.
Genome position (GRCh38, 1-based): chr5:235,304, A>G. VCF-style: chr5-235304-A-G. GRCh37 (hg19) VCF-style: chr5-235419-A-G.
Other names: c.1081A>G, p.Asn361Asp (NM_001294332.2); c.1225A>G, p.Asn409Asp (NM_001330758.2); short protein forms N409D, N361D.
Identifiers: ClinVar variation 2941503 (VCV002941503.3), dbSNP rs1404377989, ClinGen allele CA359013705.